The following is an entry in ClinVar:

ClinVar aggregate classification (germline): Uncertain significance (1 of 4 stars; one submission).

Submission:

GeneDx
Classification: Uncertain significance. Last evaluated: 2025-03-10. Review status: criteria provided, single submitter. Criteria: GeneDx Variant Classification Process June 2021. Collection method: clinical testing. Allele origin: germline. Affected: yes.
Comment: Not observed at significant frequency in large population cohorts (gnomAD); In silico analysis supports that this missense variant has a deleterious effect on protein structure/function; Has not been previously published as pathogenic or benign to our knowledge

NM_002911.4(UPF1):c.862G>C (p.Glu288Gln)

Gene: UPF1 (UPF1 RNA helicase and ATPase; plus strand). Cytogenetic location: 19p13.11.
Variant type: single nucleotide variant.
Coding change: c.862G>C on transcript NM_002911.4 (MANE Select); coding-DNA position 862, G replaced by C.
Protein change: p.Glu288Gln; replaces glutamic acid 288 with glutamine.
Molecular consequence: missense variant.
Genome position (GRCh38, 1-based): chr19:18,852,186, G>C. VCF-style: chr19-18852186-G-C. GRCh37 (hg19) VCF-style: chr19-18962995-G-C.
Other names: c.862G>C, p.Glu288Gln (NM_001297549.2); short protein forms E288Q.
Identifiers: ClinVar variation 4082945 (VCV004082945.1).